The following is an entry in ClinVar:

ClinVar aggregate classification (germline): Benign/Likely benign. Review status: criteria provided, multiple submitters, no conflicts (2 of 4 stars). 4 submissions from 4 submitters: Benign (1); Likely benign (3). Last evaluated 2025-10-30.

Conditions:
Hereditary cancer-predisposing syndrome. Also called: Neoplastic Syndromes, Hereditary; Tumor predisposition; Hereditary Cancer Syndrome; Hereditary neoplastic syndrome. Identifiers: Orphanet 140162, MedGen C0027672, MeSH D009386, MONDO:0015356.
Familial cancer of breast. Also called: BREAST CANCER, FAMILIAL; Hereditary breast cancer; hereditary breast carcinoma. Identifiers: Orphanet 227535, MedGen C0346153, MONDO:0016419, OMIM 114480. Disease mechanism: loss of function.
Ataxia-telangiectasia syndrome (AT). Also called: LOUIS-BAR SYNDROME; Cerebello-oculocutaneous telangiectasia; Immunodeficiency with ataxia telangiectasia; Ataxia-telangiectasia, complementation group D; AT, COMPLEMENTATION GROUP C; ATAXIA-TELANGIECTASIA, COMPLEMENTATION GROUP A. Identifiers: Orphanet 100, MedGen C0004135, MONDO:0008840, OMIM 208900.

Submissions (4):

Labcorp Genetics (formerly Invitae), Labcorp
Classification: Likely benign for Ataxia-telangiectasia syndrome. Last evaluated: 2025-10-30. Review status: criteria provided, single submitter. Criteria: Invitae Variant Classification Sherloc (09022015). Collection method: clinical testing. Allele origin: germline.

Myriad Genetics, Inc.
Classification: Benign for Familial cancer of breast. Last evaluated: 2024-05-16. Review status: criteria provided, single submitter. Criteria: Myriad Autosomal Dominant, Autosomal Recessive and X-Linked Classification Criteria (2023). Collection method: clinical testing. Allele origin: unknown.
Comment: This variant is considered benign. This variant is a silent/synonymous amino acid change and it is not expected to impact splicing.

Color Diagnostics, LLC DBA Color Health
Classification: Likely benign for Hereditary cancer-predisposing syndrome. Last evaluated: 2024-03-24. Review status: criteria provided, single submitter. Criteria: ACMG Guidelines, 2015. Collection method: clinical testing. Allele origin: germline.

Ambry Genetics
Classification: Likely benign for Hereditary cancer-predisposing syndrome. Last evaluated: 2020-06-10. Review status: criteria provided, single submitter. Criteria: Ambry Variant Classification Scheme 2023. Collection method: clinical testing. Allele origin: germline.

NM_000051.4(ATM):c.4155G>T (p.Val1385=)

Gene: ATM (ATM serine/threonine kinase; plus strand). Cytogenetic location: 11q22.3.
Variant type: single nucleotide variant.
Coding change: c.4155G>T on transcript NM_000051.4 (MANE Select); coding-DNA position 4155, G replaced by T.
Protein change: p.Val1385=; no amino-acid change (valine 1385 retained).
Molecular consequence: synonymous variant.
Genome position (GRCh38, 1-based): chr11:108,289,022, G>T. VCF-style: chr11-108289022-G-T. GRCh37 (hg19) VCF-style: chr11-108159749-G-T.
Other names: c.4155G>T, p.Val1385= (NM_001351834.2).
Identifiers: ClinVar variation 1738290 (VCV001738290.5), dbSNP rs2082641997, ClinGen allele CA476673699.
Genomic context (GRCh38, chr11:108,289,022, plus strand): 5'-CCTTAACTCTGTTAGGGATTTGGATCCTGCTCCTAATCCACCTCATTTTCCATCGCATGT[G>T]ATTAAAGCAACATTTGCCTATATCAGCAATTGTCATAAAACCAAGTTAAAAAGCATTTTA-3'
Protein context (NP_000042.3, residues 1375-1395): APNPPHFPSH[Val1385=]IKATFAYISN